The following is an entry in ClinVar:

ClinVar aggregate classification (germline): Uncertain significance (1 of 4 stars; one submission).

Allele frequency attached by ClinVar (database versions not stated): TOPMed below 0.00001; gnomAD 0.00001.

Submission:

Labcorp Genetics (formerly Invitae), Labcorp
Classification: Uncertain significance. Last evaluated: 2022-06-02. Review status: criteria provided, single submitter. Criteria: Invitae Variant Classification Sherloc (09022015). Collection method: clinical testing. Allele origin: germline.
Comment: In summary, the available evidence is currently insufficient to determine the role of this variant in disease. Therefore, it has been classified as a Variant of Uncertain Significance. Algorithms developed to predict the effect of sequence changes on RNA splicing suggest that this variant may create or strengthen a splice site. Algorithms developed to predict the effect of missense changes on protein structure and function (SIFT, PolyPhen-2, Align-GVGD) all suggest that this variant is likely to be tolerated. This variant has not been reported in the literature in individuals affected with SRP72-related conditions. This variant is not present in population databases (gnomAD no frequency). This sequence change replaces serine, which is neutral and polar, with asparagine, which is neutral and polar, at codon 511 of the SRP72 protein (p.Ser511Asn).

NM_006947.4(SRP72):c.1532G>A (p.Ser511Asn)

Gene: SRP72 (signal recognition particle 72; plus strand). Cytogenetic location: 4q12.
Variant type: single nucleotide variant.
Coding change: c.1532G>A on transcript NM_006947.4 (MANE Select); coding-DNA position 1532, G replaced by A.
Protein change: p.Ser511Asn; replaces serine 511 with asparagine.
Molecular consequence: missense variant. On other transcripts: non-coding transcript variant (1).
Genome position (GRCh38, 1-based): chr4:56,491,460, G>A. VCF-style: chr4-56491460-G-A. GRCh37 (hg19) VCF-style: chr4-57357626-G-A.
Other names: c.1349G>A, p.Ser450Asn (NM_001267722.2); short protein forms S450N, S511N.
Identifiers: ClinVar variation 2129718 (VCV002129718.4), dbSNP rs989384434, ClinGen allele CA97608490.